The following is an entry in ClinVar:

ClinVar aggregate classification (germline): Uncertain significance (1 of 4 stars; one submission).

Conditions:
Myofibrillar myopathy 5. Also called: FILAMINOPATHY, AUTOSOMAL DOMINANT; Filaminopathy (type). Identifiers: Orphanet 171445, MedGen C1836050, MONDO:0012289, OMIM 609524.
Hypertrophic cardiomyopathy 26. Also called: Cardiomyopathy, familial hypertrophic, 26. Identifiers: Orphanet 75249, MedGen C4310749, MONDO:0014883, OMIM 617047.
Distal myopathy with posterior leg and anterior hand involvement. Also called: WILLIAMS DISTAL MYOPATHY. Identifiers: Orphanet 63273, MedGen C3279722, MONDO:0013550, OMIM 614065.

Submission:

Labcorp Genetics (formerly Invitae), Labcorp
Classification: Uncertain significance for Distal myopathy with posterior leg and anterior hand involvement; Myofibrillar myopathy 5; Hypertrophic cardiomyopathy 26. Last evaluated: 2023-12-24. Review status: criteria provided, single submitter. Criteria: Invitae Variant Classification Sherloc (09022015). Collection method: clinical testing. Allele origin: germline.
Comment: This sequence change replaces alanine, which is neutral and non-polar, with glutamic acid, which is acidic and polar, at codon 1902 of the FLNC protein (p.Ala1902Glu). This variant is not present in population databases (gnomAD no frequency). This variant has not been reported in the literature in individuals affected with FLNC-related conditions. Advanced modeling of protein sequence and biophysical properties (such as structural, functional, and spatial information, amino acid conservation, physicochemical variation, residue mobility, and thermodynamic stability) has been performed at Invitae for this missense variant, however the output from this modeling did not meet the statistical confidence thresholds required to predict the impact of this variant on FLNC protein function. In summary, the available evidence is currently insufficient to determine the role of this variant in disease. Therefore, it has been classified as a Variant of Uncertain Significance.

NM_001458.5(FLNC):c.5705C>A (p.Ala1902Glu)

Genes: FLNC-AS1 (FLNC antisense RNA 1; minus strand), FLNC (filamin C; plus strand). Cytogenetic location: 7q32.1.
Variant type: single nucleotide variant.
Coding change: c.5705C>A on transcript NM_001458.5 (MANE Select); coding-DNA position 5705, C replaced by A.
Protein change: p.Ala1902Glu; replaces alanine 1902 with glutamic acid.
Molecular consequence: missense variant. On other transcripts: non-coding transcript variant (1).
Genome position (GRCh38, 1-based): chr7:128,851,491, C>A. VCF-style: chr7-128851491-C-A. GRCh37 (hg19) VCF-style: chr7-128491545-C-A.
Other names: c.5606C>A, p.Ala1869Glu (NM_001127487.2); short protein forms A1869E, A1902E.
Identifiers: ClinVar variation 2921679 (VCV002921679.3), dbSNP rs2536656318, ClinGen allele CA369208078.
Genomic context (GRCh38, chr7:128,851,491, plus strand): 5'-TCTTGGCCACACCTCCACCTACAGGGGGTCTGTCACTGGCCGTGGAGGGCCCATCCAAGG[C>A]AGAGATCACCTGTAAGGACAACAAGGATGGCACCTGCACCGTGTCCTATCTGCCGACTGC-3'
Protein context (NP_001449.3, residues 1892-1912): LSLAVEGPSK[Ala1902Glu]EITCKDNKDG